The following is an entry in ClinVar:

NM_032608.7(MYO18B):c.650G>C (p.Arg217Pro)

Gene: MYO18B (myosin XVIIIB; plus strand). Cytogenetic location: 22q12.1.
Variant type: single nucleotide variant.
Coding change: c.650G>C on transcript NM_032608.7 (MANE Select); coding-DNA position 650, G replaced by C.
Protein change: p.Arg217Pro; replaces arginine 217 with proline.
Molecular consequence: missense variant.
Genome position (GRCh38, 1-based): chr22:25,768,566, G>C. VCF-style: chr22-25768566-G-C. GRCh37 (hg19) VCF-style: chr22-26164533-G-C.
Other names: c.650G>C, p.Arg217Pro (NM_001318245.2); c.650G>C (NM_032608.5); short protein forms R217P.
Identifiers: ClinVar variation 1484661 (VCV001484661.7), dbSNP rs754352979, ClinGen allele CA10159664.

ClinVar aggregate classification (germline): Uncertain significance. Review status: criteria provided, multiple submitters, no conflicts (2 of 4 stars). 2 submissions from 2 submitters: Uncertain significance (2). Last evaluated 2024-02-26.

Conditions:
Inborn genetic diseases. Identifiers: MedGen C0950123, MeSH D030342.

gnomAD v4.1: 28 of 1,535,798 alleles (0.0018%); highest among the groups gnomAD compares: Non-Finnish European, 0.0022%; no homozygotes.

Submissions (2):

Labcorp Genetics (formerly Invitae), Labcorp
Classification: Uncertain significance. Last evaluated: 2024-02-26. Review status: criteria provided, single submitter. Criteria: Invitae Variant Classification Sherloc (09022015). Collection method: clinical testing. Allele origin: germline.
Comment: This sequence change replaces arginine, which is basic and polar, with proline, which is neutral and non-polar, at codon 217 of the MYO18B protein (p.Arg217Pro). This variant is present in population databases (rs754352979, gnomAD 0.002%). This variant has not been reported in the literature in individuals affected with MYO18B-related conditions. ClinVar contains an entry for this variant (Variation ID: 1484661). Algorithms developed to predict the effect of missense changes on protein structure and function output the following: SIFT: "Not Available"; PolyPhen-2: "Benign"; Align-GVGD: "Not Available". The proline amino acid residue is found in multiple mammalian species, which suggests that this missense change does not adversely affect protein function. In summary, the available evidence is currently insufficient to determine the role of this variant in disease. Therefore, it has been classified as a Variant of Uncertain Significance.

Ambry Genetics
Classification: Uncertain significance for Inborn genetic diseases. Last evaluated: 2023-12-12. Review status: criteria provided, single submitter. Criteria: Ambry Variant Classification Scheme 2023. Collection method: clinical testing. Allele origin: germline.